The following is an entry in ClinVar:

ClinVar aggregate classification (germline): Uncertain significance (1 of 4 stars; one submission).

Allele frequency attached by ClinVar (database versions not stated): gnomAD exomes below 0.00001.

Submission:

Ambry Genetics
Classification: Uncertain significance. Last evaluated: 2024-06-07. Review status: criteria provided, single submitter. Criteria: Ambry Variant Classification Scheme 2023. Collection method: clinical testing. Allele origin: germline.
Comment: The p.G79C variant (also known as c.235G>T), located in coding exon 1 of the GALNT12 gene, results from a G to T substitution at nucleotide position 235. The glycine at codon 79 is replaced by cysteine, an amino acid with highly dissimilar properties. This amino acid position is highly conserved in available vertebrate species. In addition, the in silico prediction for this alteration is inconclusive. Since supporting evidence is limited at this time, the clinical significance of this alteration remains unclear.

NM_024642.5(GALNT12):c.235G>T (p.Gly79Cys)

Gene: GALNT12 (polypeptide N-acetylgalactosaminyltransferase 12; plus strand). Cytogenetic location: 9q22.33.
Variant type: single nucleotide variant.
Coding change: c.235G>T on transcript NM_024642.5 (MANE Select); coding-DNA position 235, G replaced by T.
Protein change: p.Gly79Cys; replaces glycine 79 with cysteine.
Molecular consequence: missense variant.
Genome position (GRCh38, 1-based): chr9:98,807,933, G>T. VCF-style: chr9-98807933-G-T. GRCh37 (hg19) VCF-style: chr9-101570215-G-T.
Other names: short protein forms G79C.
Identifiers: ClinVar variation 821151 (VCV000821151.5), dbSNP rs1588436285, ClinGen allele CA374222578.